The following is an entry in ClinVar:

ClinVar aggregate classification (germline): Conflicting classifications of pathogenicity. Review status: criteria provided, conflicting classifications (1 of 4 stars). 8 submissions from 8 submitters: Uncertain significance (2); Benign (1); Likely benign (4). 1 of the submissions does not count toward it. Last evaluated 2026-06-01.

Conditions:
SCN10A-related disorder. Also called: SCN10A-related condition.
Cardiovascular phenotype. Identifiers: MedGen CN230736.
Episodic pain syndrome, familial, 2 (FEPS2). Identifiers: Orphanet 306577, MedGen C3809893, MONDO:0014246, OMIM 615551.
Brugada syndrome. Also called: Sudden unexplained nocturnal death syndrome; Sudden unexpected nocturnal death syndrome; Sudden Unexplained Death Syndrome; Sudden Unexplained Nocturnal Death Syndrome (SUNDS). Identifiers: Orphanet 130, MedGen C1142166, MONDO:0015263.

Allele frequency attached by ClinVar (database versions not stated): ESP Exome Variant Server 0.00085; gnomAD 0.00086; TOPMed 0.00109.
gnomAD v4.1: 2,128 of 1,614,044 alleles (0.13%); highest among the groups gnomAD compares: Non-Finnish European, 0.16%; 2 homozygotes.

Submissions (8):

CeGaT Center for Human Genetics Tuebingen
Classification: Likely benign. Last evaluated: 2026-06-01. Review status: criteria provided, single submitter. Criteria: CeGaT Center For Human Genetics Tuebingen Variant Classification Criteria Version 2. Collection method: clinical testing. Allele origin: germline. Affected: yes. Observed: 6 variant alleles.
Comment: SCN10A: BS1

Labcorp Genetics (formerly Invitae), Labcorp
Classification: Likely benign for Brugada syndrome. Last evaluated: 2026-01-18. Review status: criteria provided, single submitter. Criteria: Invitae Variant Classification Sherloc (09022015). Collection method: clinical testing. Allele origin: germline.

Mayo Clinic Laboratories, Mayo Clinic
Classification: Benign. Last evaluated: 2025-10-20. Review status: criteria provided, single submitter. Criteria: ACMG Guidelines, 2015. Collection method: clinical testing. Allele origin: germline. Observed: 4 variant alleles.

GeneDx
Classification: Likely benign. Last evaluated: 2023-10-04. Review status: criteria provided, single submitter. Criteria: GeneDx Variant Classification Process June 2021. Collection method: clinical testing. Allele origin: germline. Affected: yes.
Comment: See Variant Classification Assertion Criteria.

Revvity Omics, Revvity
Classification: Uncertain significance for Episodic pain syndrome, familial, 2. Last evaluated: 2020-07-17. Review status: criteria provided, single submitter. Criteria: ACMG Guidelines, 2015. Collection method: clinical testing. Allele origin: germline.

Ambry Genetics
Classification: Likely benign for Cardiovascular phenotype. Last evaluated: 2019-05-17. Review status: criteria provided, single submitter. Criteria: Ambry Variant Classification Scheme 2023. Collection method: clinical testing. Allele origin: germline.

Eurofins Ntd Llc (ga)
Classification: Uncertain significance. Last evaluated: 2013-07-30. Review status: criteria provided, single submitter. Criteria: EGL Classification Definitions 2015. Collection method: clinical testing. Allele origin: germline. Observed: 1 variant allele, 1 heterozygote.

PreventionGenetics, part of Exact Sciences
Classification: Likely benign for SCN10A-related condition. Last evaluated: 2022-11-28. Review status: no assertion criteria provided. Collection method: clinical testing. Allele origin: germline. Not counted in ClinVar's aggregate classification.
Comment: This variant is classified as likely benign based on ACMG/AMP sequence variant interpretation guidelines (Richards et al. 2015 PMID: 25741868, with internal and published modifications).

Literature cited by the submitters: PubMed 25053638 (cited by Mayo Clinic Laboratories, Mayo Clinic and Ambry Genetics); PubMed 25691538 (cited by Mayo Clinic Laboratories, Mayo Clinic and Ambry Genetics); PubMed 28407228 (cited by Mayo Clinic Laboratories, Mayo Clinic and Ambry Genetics); PubMed 37695396 (cited by Mayo Clinic Laboratories, Mayo Clinic).

NM_006514.4(SCN10A):c.3859G>A (p.Val1287Ile)

Gene: SCN10A (sodium voltage-gated channel alpha subunit 10; minus strand). Cytogenetic location: 3p22.2.
Variant type: single nucleotide variant.
Coding change: c.3859G>A on transcript NM_006514.4 (MANE Select); coding-DNA position 3859, G replaced by A.
Protein change: p.Val1287Ile; replaces valine 1287 with isoleucine.
Molecular consequence: missense variant.
Genome position (GRCh38, 1-based): chr3:38,712,391, C>T on the plus strand (G>A on the coding strand, the complement: SCN10A is on the minus strand). VCF-style: chr3-38712391-C-T. GRCh37 (hg19) VCF-style: chr3-38753882-C-T.
Other names: p.Val1287Ile; c.3856G>A, p.Val1286Ile (NM_001293306.2); c.3565G>A, p.Val1189Ile (NM_001293307.2); short protein forms V1287I, V1286I, V1189I.
Identifiers: ClinVar variation 95402 (VCV000095402.54), dbSNP rs145032037, ClinGen allele CA2320078.